The following is an entry in ClinVar:

NM_017514.5(PLXNA3):c.1443G>A (p.Lys481=)

Gene: PLXNA3 (plexin A3; plus strand). Cytogenetic location: Xq28.
Variant type: single nucleotide variant.
Coding change: c.1443G>A on transcript NM_017514.5 (MANE Select); coding-DNA position 1443, G replaced by A.
Protein change: p.Lys481=; no amino-acid change (lysine 481 retained).
Molecular consequence: synonymous variant.
Genome position (GRCh38, 1-based): chrX:154,463,516, G>A. VCF-style: chrX-154463516-G-A. GRCh37 (hg19) VCF-style: chrX-153691859-G-A.
Identifiers: ClinVar variation 3354070 (VCV003354070.1).
Genomic context (GRCh38, chrX:154,463,516, plus strand): 5'-CATCCTCCGAGACCTGCTCTTCAGCCCGGACCACCGGCACATCTATCTCCTGAGTGAGAA[G>A]CAGGTGGGCCTGTGGTGGGTGGCGGTGGGTGGTGGGGCGGGGGTGGGCTGGGTGCTGATG-3'
Protein context (NP_059984.3, residues 471-491): DHRHIYLLSE[Lys481=]QVSQLPVETC

ClinVar aggregate classification (germline): Likely benign (0 of 4 stars; one submission).

Conditions:
PLXNA3-related disorder. Also called: PLXNA3-related condition.

Submission:

PreventionGenetics, part of Exact Sciences
Classification: Likely benign for PLXNA3-related condition. Last evaluated: 2022-06-20. Review status: no assertion criteria provided. Collection method: clinical testing. Allele origin: germline.
Comment: This variant is classified as likely benign based on ACMG/AMP sequence variant interpretation guidelines (Richards et al. 2015 PMID: 25741868, with internal and published modifications).